The following is an entry in ClinVar:

ClinVar aggregate classification (germline): Uncertain significance (1 of 4 stars; one submission).

gnomAD v4.1: 1 of 1,614,148 alleles (0.000062%); highest among the groups gnomAD compares: South Asian, 0.0011%; no homozygotes.

Submission:

Labcorp Genetics (formerly Invitae), Labcorp
Classification: Uncertain significance. Last evaluated: 2024-04-18. Review status: criteria provided, single submitter. Criteria: Invitae Variant Classification Sherloc (09022015). Collection method: clinical testing. Allele origin: germline.
Comment: This sequence change replaces proline, which is neutral and non-polar, with serine, which is neutral and polar, at codon 2028 of the ARID1A protein (p.Pro2028Ser). This variant is present in population databases (no rsID available, gnomAD 0.003%). This variant has not been reported in the literature in individuals affected with ARID1A-related conditions. Advanced modeling of protein sequence and biophysical properties (such as structural, functional, and spatial information, amino acid conservation, physicochemical variation, residue mobility, and thermodynamic stability) performed at Invitae indicates that this missense variant is not expected to disrupt ARID1A protein function with a negative predictive value of 80%. In summary, the available evidence is currently insufficient to determine the role of this variant in disease. Therefore, it has been classified as a Variant of Uncertain Significance.

NM_006015.6(ARID1A):c.6082C>T (p.Pro2028Ser)

Gene: ARID1A (AT-rich interaction domain 1A; plus strand). Cytogenetic location: 1p36.11.
Variant type: single nucleotide variant.
Coding change: c.6082C>T on transcript NM_006015.6 (MANE Select); coding-DNA position 6082, C replaced by T.
Protein change: p.Pro2028Ser; replaces proline 2028 with serine.
Molecular consequence: missense variant.
Genome position (GRCh38, 1-based): chr1:26,779,980, C>T. VCF-style: chr1-26779980-C-T. GRCh37 (hg19) VCF-style: chr1-27106471-C-T.
Other names: c.5431C>T, p.Pro1811Ser (NM_139135.4); short protein forms P2028S, P1811S.
Identifiers: ClinVar variation 3630915 (VCV003630915.2).